The following is an entry in ClinVar:

NC_000016.9:g.(?_16263483)_(16292059_?)del

Gene: ABCC6 (ATP binding cassette subfamily C member 6; minus strand). Cytogenetic location: 16p13.11.
Variant type: Deletion.
Identifiers: ClinVar variation 2423918 (VCV002423918.4).

ClinVar aggregate classification (germline): Pathogenic (1 of 4 stars; one submission).

Submission:

Labcorp Genetics (formerly Invitae), Labcorp
Classification: Pathogenic. Last evaluated: 2022-05-09. Review status: criteria provided, single submitter. Criteria: Invitae Variant Classification Sherloc (09022015). Collection method: clinical testing. Allele origin: germline.
Comment: For these reasons, this variant has been classified as Pathogenic. This variant is a gross deletion of the genomic region encompassing exon(s) 10-22 of the ABCC6 gene. This deletion is out-of-frame, and is expected to create a premature termination codon and result in an absent or disrupted protein product. Loss-of-function variants in ABCC6 are known to be pathogenic (PMID: 11536079, 17617515). This variant has not been reported in the literature in individuals affected with ABCC6-related conditions.

Literature cited by the submitters: PubMed 11536079; PubMed 17617515.